The following is an entry in ClinVar:

NM_000195.5(HPS1):c.917C>A (p.Ser306Tyr)

Gene: HPS1 (HPS1 biogenesis of lysosomal organelles complex 3 subunit 1; minus strand). Cytogenetic location: 10q24.2.
Variant type: single nucleotide variant.
Coding change: c.917C>A on transcript NM_000195.5 (MANE Select); coding-DNA position 917, C replaced by A.
Protein change: p.Ser306Tyr; replaces serine 306 with tyrosine.
Molecular consequence: missense variant. On other transcripts: 5 prime UTR variant (3).
Genome position (GRCh38, 1-based): chr10:98,429,593, G>T on the plus strand (C>A on the coding strand, the complement: HPS1 is on the minus strand). VCF-style: chr10-98429593-G-T. GRCh37 (hg19) VCF-style: chr10-100189350-G-T.
Other names: c.-56C>A (NM_001311345.2, NM_001322487.2, NM_001322489.2); c.799C>A, p.Pro267Thr (NM_001322490.2); c.818C>A, p.Ser273Tyr (NM_001322491.2, NM_001322478.2, NM_001322479.2); c.700C>A, p.Pro234Thr (NM_001322492.2); c.917C>A, p.Ser306Tyr (NM_182639.4, NM_001322476.2, NM_001322477.2); c.656C>A, p.Ser219Tyr (NM_001322480.2, NM_001322481.2); c.557C>A, p.Ser186Tyr (NM_001322482.2); c.548C>A, p.Ser183Tyr (NM_001322483.2, NM_001322484.2); and 1 more; short protein forms P267T, S186Y, S273Y, S150Y, S183Y, S219Y, S306Y, P234T.
Identifiers: ClinVar variation 1391342 (VCV001391342.6), dbSNP rs773202165, ClinGen allele CA378051111.

ClinVar aggregate classification (germline): Uncertain significance (1 of 4 stars; one submission).

Submission:

Labcorp Genetics (formerly Invitae), Labcorp
Classification: Uncertain significance. Last evaluated: 2022-08-19. Review status: criteria provided, single submitter. Criteria: Invitae Variant Classification Sherloc (09022015). Collection method: clinical testing. Allele origin: germline.
Comment: Algorithms developed to predict the effect of missense changes on protein structure and function are either unavailable or do not agree on the potential impact of this missense change (SIFT: "Deleterious"; PolyPhen-2: "Probably Damaging"; Align-GVGD: "Class C0"). In summary, the available evidence is currently insufficient to determine the role of this variant in disease. Therefore, it has been classified as a Variant of Uncertain Significance. ClinVar contains an entry for this variant (Variation ID: 1391342). This sequence change replaces serine, which is neutral and polar, with tyrosine, which is neutral and polar, at codon 306 of the HPS1 protein (p.Ser306Tyr). This variant is not present in population databases (gnomAD no frequency). This variant has not been reported in the literature in individuals affected with HPS1-related conditions.